The following is an entry in ClinVar:

NC_000009.11:g.(?_80861565)_(80863809_?)dup

Gene: CEP78 (centrosomal protein 78; plus strand). Cytogenetic location: 9q21.2.
Variant type: Duplication.
Identifiers: ClinVar variation 1410133 (VCV001410133.4).

ClinVar aggregate classification (germline): Uncertain significance (1 of 4 stars; one submission).

Submission:

Labcorp Genetics (formerly Invitae), Labcorp
Classification: Uncertain significance. Last evaluated: 2021-06-22. Review status: criteria provided, single submitter. Criteria: Invitae Variant Classification Sherloc (09022015). Collection method: clinical testing. Allele origin: germline.
Comment: In summary, the available evidence is currently insufficient to determine the role of this variant in disease. Therefore, it has been classified as a Variant of Uncertain Significance. Experimental studies and prediction algorithms are not available or were not evaluated, and the functional significance of this variant is currently unknown. This variant results in a copy number gain of the genomic region encompassing exon(s) 6-8 of the CEP78 gene. While the exact position of this variant cannot be determined from the data, sub-genic copy number gains are generally in tandem (PMID: 25640679). This variant is predicted to be in-frame, and likely preserves the integrity of the reading frame. This variant has not been reported in the literature in individuals affected with CEP78-related conditions.

Literature cited by the submitters: PubMed 25640679.